The following is an entry in ClinVar:

ClinVar aggregate classification (germline): Uncertain significance. Review status: criteria provided, multiple submitters, no conflicts (2 of 4 stars). 2 submissions from 2 submitters: Uncertain significance (2). Last evaluated 2025-08-29.

Conditions:
Inborn genetic diseases. Identifiers: MedGen C0950123, MeSH D030342.

Allele frequency attached by ClinVar (database versions not stated): gnomAD 0.00001; gnomAD exomes 0.00001; TOPMed 0.00001.
gnomAD v4.1: 9 of 1,606,094 alleles (0.00056%); highest among the groups gnomAD compares: South Asian, 0.0055%; no homozygotes.

Submissions (2):

Ambry Genetics
Classification: Uncertain significance for Inborn genetic diseases. Last evaluated: 2025-08-29. Review status: criteria provided, single submitter. Criteria: Ambry Variant Classification Scheme 2023. Collection method: clinical testing. Allele origin: germline.

Labcorp Genetics (formerly Invitae), Labcorp
Classification: Uncertain significance. Last evaluated: 2022-06-10. Review status: criteria provided, single submitter. Criteria: Invitae Variant Classification Sherloc (09022015). Collection method: clinical testing. Allele origin: germline.
Comment: This sequence change replaces asparagine, which is neutral and polar, with serine, which is neutral and polar, at codon 312 of the HACE1 protein (p.Asn312Ser). This variant is present in population databases (no rsID available, gnomAD 0.003%). This variant has not been reported in the literature in individuals affected with HACE1-related conditions. Algorithms developed to predict the effect of missense changes on protein structure and function output the following: SIFT: "Tolerated"; PolyPhen-2: "Benign"; Align-GVGD: "Class C0". The serine amino acid residue is found in multiple mammalian species, which suggests that this missense change does not adversely affect protein function. In summary, the available evidence is currently insufficient to determine the role of this variant in disease. Therefore, it has been classified as a Variant of Uncertain Significance.

NM_020771.4(HACE1):c.935A>G (p.Asn312Ser)

Gene: HACE1 (HECT domain and ankyrin repeat containing E3 ubiquitin protein ligase 1; minus strand). Cytogenetic location: 6q16.3.
Variant type: single nucleotide variant.
Coding change: c.935A>G on transcript NM_020771.4 (MANE Select); coding-DNA position 935, A replaced by G.
Protein change: p.Asn312Ser; replaces asparagine 312 with serine.
Molecular consequence: missense variant. On other transcripts: non-coding transcript variant (7).
Genome position (GRCh38, 1-based): chr6:104,791,643, T>C on the plus strand (A>G on the coding strand, the complement: HACE1 is on the minus strand). VCF-style: chr6-104791643-T-C. GRCh37 (hg19) VCF-style: chr6-105239518-T-C.
Other names: c.803A>G, p.Asn268Ser (NM_001321080.2); c.833A>G, p.Asn278Ser (NM_001321083.2); c.431A>G, p.Asn144Ser (NM_001321084.2, NM_001350557.2, NM_001350558.2); c.701A>G, p.Asn234Ser (NM_001350554.2); c.644A>G, p.Asn215Ser (NM_001350555.2); c.449A>G, p.Asn150Ser (NM_001350556.2); c.353A>G, p.Asn118Ser (NM_001350559.2); c.152A>G, p.Asn51Ser (NM_001350560.2); and 1 more; short protein forms N215S, N144S, N234S, N268S, N312S, N118S, N150S, N278S.
Identifiers: ClinVar variation 1901154 (VCV001901154.6), dbSNP rs1458858178, ClinGen allele CA365137586.